The following is an entry in ClinVar:

ClinVar aggregate classification (germline): Pathogenic (1 of 4 stars; one submission).

Submission:

Labcorp Genetics (formerly Invitae), Labcorp
Classification: Pathogenic. Last evaluated: 2022-12-31. Review status: criteria provided, single submitter. Criteria: Invitae Variant Classification Sherloc (09022015). Collection method: clinical testing. Allele origin: germline.
Comment: This sequence change creates a premature translational stop signal (p.Tyr934*) in the LAMA3 gene. It is expected to result in an absent or disrupted protein product. Loss-of-function variants in LAMA3 are known to be pathogenic (PMID: 10366601, 11810295, 12915477, 16473856, 17362460, 22434185, 23869449, 27827380, 28087116). This variant is not present in population databases (gnomAD no frequency). This variant has not been reported in the literature in individuals affected with LAMA3-related conditions. For these reasons, this variant has been classified as Pathogenic.

Literature cited by the submitters: PubMed 10366601; PubMed 11810295; PubMed 12915477; PubMed 16473856; PubMed 17362460; PubMed 22434185; PubMed 23869449; PubMed 27827380; PubMed 28087116.

NM_198129.4(LAMA3):c.7629C>A (p.Tyr2543Ter)

Gene: LAMA3 (laminin subunit alpha 3; plus strand). Cytogenetic location: 18q11.2.
Variant type: single nucleotide variant.
Coding change: c.7629C>A on transcript NM_198129.4 (MANE Select); coding-DNA position 7629, C replaced by A.
Protein change: p.Tyr2543Ter; replaces tyrosine 2543 with a stop codon.
Molecular consequence: nonsense.
Genome position (GRCh38, 1-based): chr18:23,914,845, C>A. VCF-style: chr18-23914845-C-A. GRCh37 (hg19) VCF-style: chr18-21494809-C-A.
Other names: c.2802C>A, p.Tyr934Ter (NM_000227.6); c.7461C>A, p.Tyr2487Ter (NM_001127717.4); c.2634C>A, p.Tyr878Ter (NM_001127718.4); short protein forms Y934*, Y2543*, Y2487*, Y878*.
Identifiers: ClinVar variation 2825633 (VCV002825633.3), dbSNP rs2081559622, ClinGen allele CA402057806.